The following is an entry in ClinVar:

NM_004423.4(DVL3):c.747G>A (p.Thr249=)

Gene: DVL3 (dishevelled segment polarity protein 3; plus strand). Cytogenetic location: 3q27.1.
Variant type: single nucleotide variant.
Coding change: c.747G>A on transcript NM_004423.4 (MANE Select); coding-DNA position 747, G replaced by A.
Protein change: p.Thr249=; no amino-acid change (threonine 249 retained).
Molecular consequence: synonymous variant.
Genome position (GRCh38, 1-based): chr3:184,165,475, G>A. VCF-style: chr3-184165475-G-A. GRCh37 (hg19) VCF-style: chr3-183883263-G-A.
Identifiers: ClinVar variation 3030190 (VCV003030190.3), dbSNP rs370863311, ClinGen allele CA2727225.

ClinVar aggregate classification (germline): Likely benign. Review status: criteria provided, single submitter (1 of 4 stars). 2 submissions from 2 submitters: Likely benign (1). 1 of the submissions does not count toward it. Last evaluated 2023-09-08.

Conditions:
DVL3-related disorder. Also called: DVL3-related condition.

Allele frequency attached by ClinVar (database versions not stated): ExAC 0.00001; gnomAD 0.00002; TOPMed 0.00004; ESP Exome Variant Server 0.00008.
gnomAD v4.1: 22 of 1,613,884 alleles (0.0014%); highest among the groups gnomAD compares: African/African-American, 0.004%; no homozygotes.

Submissions (2):

Blueprint Genetics
Classification: Likely benign. Last evaluated: 2023-09-08. Review status: criteria provided, single submitter. Criteria: ACMG Guidelines, 2015. Collection method: clinical testing. Allele origin: germline.

PreventionGenetics, part of Exact Sciences
Classification: Likely benign for DVL3-related condition. Last evaluated: 2021-08-10. Review status: no assertion criteria provided. Collection method: clinical testing. Allele origin: germline. Not counted in ClinVar's aggregate classification.
Comment: This variant is classified as likely benign based on ACMG/AMP sequence variant interpretation guidelines (Richards et al. 2015 PMID: 25741868, with internal and published modifications).